The following is an entry in ClinVar:

ClinVar aggregate classification (germline): Uncertain significance (1 of 4 stars; one submission).

Allele frequency attached by ClinVar (database versions not stated): gnomAD exomes below 0.00001; ExAC 0.00001.
gnomAD v4.1: 5 of 1,614,202 alleles (0.00031%); highest among the groups gnomAD compares: Admixed American, 0.0033%; no homozygotes.

Submission:

Ambry Genetics
Classification: Uncertain significance. Last evaluated: 2024-07-06. Review status: criteria provided, single submitter. Criteria: Ambry Variant Classification Scheme 2023. Collection method: clinical testing. Allele origin: germline.
Comment: The p.H2066R variant (also known as c.6197A>G), located in coding exon 10 of the ALPK2 gene, results from an A to G substitution at nucleotide position 6197. The histidine at codon 2066 is replaced by arginine, an amino acid with highly similar properties. This amino acid position is conserved. In addition, the in silico prediction for this alteration is inconclusive. Since supporting evidence is limited at this time, the clinical significance of this alteration remains unclear.

NM_052947.4(ALPK2):c.6197A>G (p.His2066Arg)

Gene: ALPK2 (alpha kinase 2; minus strand). Cytogenetic location: 18q21.31.
Variant type: single nucleotide variant.
Coding change: c.6197A>G on transcript NM_052947.4 (MANE Select); coding-DNA position 6197, A replaced by G.
Protein change: p.His2066Arg; replaces histidine 2066 with arginine.
Molecular consequence: missense variant.
Genome position (GRCh38, 1-based): chr18:58,503,981, T>C on the plus strand (A>G on the coding strand, the complement: ALPK2 is on the minus strand). VCF-style: chr18-58503981-T-C. GRCh37 (hg19) VCF-style: chr18-56171213-T-C.
Other names: short protein forms H2066R.
Identifiers: ClinVar variation 1752133 (VCV001752133.3), dbSNP rs749897155, ClinGen allele CA8976237.